The following is an entry in ClinVar:

ClinVar aggregate classification (germline): Likely pathogenic (1 of 4 stars; one submission).

Submission:

Dasa
Classification: Likely pathogenic. Last evaluated: 2025-09-02. Review status: criteria provided, single submitter. Criteria: DASA Assertion Criteria. Collection method: clinical testing. Allele origin: germline.
Comment: NM_001042545.2(LTBP4):c.2149_2150insT (p.Gln717Leufs*14) is a frameshift variant in LTBP4 predicted to alter the reading frame and introduce a premature termination codon and is predicted to result in an absent or altered protein product. Loss of function is an established disease mechanism for LTBP4-associated disorders. Also, this variant is absent from population databases. Based on the currently available evidence, this variant is classified as likely pathogenic.

NM_001042545.2(LTBP4):c.2149_2150insT (p.Gln717fs)

Gene: LTBP4 (latent transforming growth factor beta binding protein 4; plus strand). Cytogenetic location: 19q13.2.
Variant type: Insertion.
Coding change: c.2149_2150insT on transcript NM_001042545.2 (MANE Select); coding-DNA positions 2149 to 2150, T inserted.
Protein change: p.Gln717fs; shifts the reading frame from glutamine 717.
Molecular consequence: frameshift variant.
Genome position: GRCh38 VCF-style: chr19-40611954-C-CT. GRCh37 (hg19) VCF-style: chr19-41117860-C-CT.
Other names: c.2350_2351insT, p.Gln784fs (NM_001042544.1); c.2239_2240insT, p.Gln747fs (NM_003573.2); short protein forms Q717fs, Q747fs, Q784fs.
Identifiers: ClinVar variation 4886522 (VCV004886522.2).